The following is an entry in ClinVar:

NM_005876.5(SPEG):c.9796G>A (p.Gly3266Ser)

Genes: ASIC4-AS1 (ASIC4 antisense RNA 1; minus strand), SPEG (striated muscle enriched protein kinase; plus strand). Cytogenetic location: 2q35.
Variant type: single nucleotide variant.
Coding change: c.9796G>A on transcript NM_005876.5 (MANE Select); coding-DNA position 9796, G replaced by A.
Protein change: p.Gly3266Ser; replaces glycine 3266 with serine.
Molecular consequence: missense variant.
Genome position (GRCh38, 1-based): chr2:219,492,778, G>A. VCF-style: chr2-219492778-G-A. GRCh37 (hg19) VCF-style: chr2-220357500-G-A.
Other names: short protein forms G3266S.
Identifiers: ClinVar variation 2165475 (VCV002165475.1), dbSNP rs750106331, ClinGen allele CA2127878.

ClinVar aggregate classification (germline): Uncertain significance (1 of 4 stars; one submission).

Allele frequency attached by ClinVar (database versions not stated): ExAC 0.00003; gnomAD 0.00003; gnomAD exomes 0.00003; TOPMed 0.00003.
gnomAD v4.1: 40 of 1,588,308 alleles (0.0025%); highest among the groups gnomAD compares: East Asian, 0.0068%; no homozygotes.

Submission:

Labcorp Genetics (formerly Invitae), Labcorp
Classification: Uncertain significance. Last evaluated: 2022-06-04. Review status: criteria provided, single submitter. Criteria: Invitae Variant Classification Sherloc (09022015). Collection method: clinical testing. Allele origin: germline.
Comment: This sequence change replaces glycine, which is neutral and non-polar, with serine, which is neutral and polar, at codon 3266 of the SPEG protein (p.Gly3266Ser). This variant is present in population databases (rs750106331, gnomAD 0.03%). This variant has not been reported in the literature in individuals affected with SPEG-related conditions. Algorithms developed to predict the effect of missense changes on protein structure and function output the following: SIFT: "Tolerated"; PolyPhen-2: "Benign"; Align-GVGD: "Class C0". The serine amino acid residue is found in multiple mammalian species, which suggests that this missense change does not adversely affect protein function. Algorithms developed to predict the effect of sequence changes on RNA splicing suggest that this variant may create or strengthen a splice site. In summary, the available evidence is currently insufficient to determine the role of this variant in disease. Therefore, it has been classified as a Variant of Uncertain Significance.